The following is an entry in ClinVar:

ClinVar aggregate classification (germline): Uncertain significance (1 of 4 stars; one submission).

Conditions:
Catecholaminergic polymorphic ventricular tachycardia 1. Also called: RYR2-Related Catecholaminergic Polymorphic Ventricular Tachycardia; VENTRICULAR TACHYCARDIA, STRESS-INDUCED POLYMORPHIC 1; VENTRICULAR TACHYCARDIA, CATECHOLAMINERGIC POLYMORPHIC, 1, WITH OR WITHOUT ATRIAL DYSFUNCTION AND/OR DILATED CARDIOMYOPATHY. Identifiers: Orphanet 3286, MedGen C1631597, MONDO:0011484, OMIM 604772.

gnomAD v4.1: 2 of 1,554,122 alleles (0.00013%); highest among the groups gnomAD compares: African/African-American, 0.0027%; no homozygotes.

Submission:

Labcorp Genetics (formerly Invitae), Labcorp
Classification: Uncertain significance for Catecholaminergic polymorphic ventricular tachycardia 1. Last evaluated: 2025-05-18. Review status: criteria provided, single submitter. Criteria: Invitae Variant Classification Sherloc (09022015). Collection method: clinical testing. Allele origin: germline.
Comment: This sequence change replaces aspartic acid, which is acidic and polar, with glycine, which is neutral and non-polar, at codon 3833 of the RYR2 protein (p.Asp3833Gly). This variant is not present in population databases (gnomAD no frequency). This variant has not been reported in the literature in individuals affected with RYR2-related conditions. Invitae Evidence Modeling of protein sequence and biophysical properties (such as structural, functional, and spatial information, amino acid conservation, physicochemical variation, residue mobility, and thermodynamic stability) indicates that this missense variant is not expected to disrupt RYR2 protein function with a negative predictive value of 95%. In summary, the available evidence is currently insufficient to determine the role of this variant in disease. Therefore, it has been classified as a Variant of Uncertain Significance.

NM_001035.3(RYR2):c.11498A>G (p.Asp3833Gly)

Gene: RYR2 (ryanodine receptor 2; plus strand). Cytogenetic location: 1q43.
Variant type: single nucleotide variant.
Coding change: c.11498A>G on transcript NM_001035.3 (MANE Select); coding-DNA position 11498, A replaced by G.
Protein change: p.Asp3833Gly; replaces aspartic acid 3833 with glycine.
Molecular consequence: missense variant.
Genome position (GRCh38, 1-based): chr1:237,770,828, A>G. VCF-style: chr1-237770828-A-G. GRCh37 (hg19) VCF-style: chr1-237934128-A-G.
Other names: short protein forms D3833G.
Identifiers: ClinVar variation 4768479 (VCV004768479.1).